The following is an entry in ClinVar:

NM_000581.4(GPX1):c.14G>C (p.Arg5Pro)

Gene: GPX1 (glutathione peroxidase 1; minus strand). Cytogenetic location: 3p21.31.
Variant type: single nucleotide variant.
Coding change: c.14G>C on transcript NM_000581.4 (MANE Select); coding-DNA position 14, G replaced by C.
Protein change: p.Arg5Pro; replaces arginine 5 with proline.
Molecular consequence: missense variant.
Genome position (GRCh38, 1-based): chr3:49,358,265, C>G on the plus strand (G>C on the coding strand, the complement: GPX1 is on the minus strand). VCF-style: chr3-49358265-C-G. GRCh37 (hg19) VCF-style: chr3-49395698-C-G.
Other names: c.14G>C, p.Arg5Pro (NM_001329455.2, NM_001329502.2, NM_001329503.2 and 1 more transcripts); short protein forms R5P.
Identifiers: ClinVar variation 3056610 (VCV003056610.2), dbSNP rs8179169, ClinGen allele CA2397752.

ClinVar aggregate classification (germline): Benign (0 of 4 stars; one submission).

Conditions:
GPX1-related disorder. Also called: GPX1-related condition.

Allele frequency attached by ClinVar (database versions not stated): ExAC 0.00594; gnomAD 0.00975; 1000 Genomes Project 0.01258; 1000 Genomes Project 30x 0.01327.

Submission:

PreventionGenetics, part of Exact Sciences
Classification: Benign for GPX1-related condition. Last evaluated: 2019-11-25. Review status: no assertion criteria provided. Collection method: clinical testing. Allele origin: germline.
Comment: This variant is classified as benign based on ACMG/AMP sequence variant interpretation guidelines (Richards et al. 2015 PMID: 25741868, with internal and published modifications).